The following is an entry in ClinVar:

NM_176824.3(BBS7):c.103-4A>G

Gene: BBS7 (Bardet-Biedl syndrome 7; minus strand). Cytogenetic location: 4q27.
Variant type: single nucleotide variant.
Coding change: c.103-4A>G on transcript NM_176824.3 (MANE Select); 4 bases into the intron before coding-DNA position 103, A replaced by G.
Molecular consequence: intron variant.
Genome position (GRCh38, 1-based): chr4:121,863,283, T>C on the plus strand (A>G on the coding strand, the complement: BBS7 is on the minus strand). VCF-style: chr4-121863283-T-C. GRCh37 (hg19) VCF-style: chr4-122784438-T-C.
Other names: c.103-4A>G (NM_018190.4).
Identifiers: ClinVar variation 3349892 (VCV003349892.1).

ClinVar aggregate classification (germline): Likely benign (0 of 4 stars; one submission).

Conditions:
BBS7-related disorder. Also called: BBS7-related condition.

gnomAD v4.1: 7 of 1,610,318 alleles (0.00043%); highest among the groups gnomAD compares: Middle Eastern, 0.066%; no homozygotes.

Submission:

PreventionGenetics, part of Exact Sciences
Classification: Likely benign for BBS7-related condition. Last evaluated: 2023-11-09. Review status: no assertion criteria provided. Collection method: clinical testing. Allele origin: germline.
Comment: This variant is classified as likely benign based on ACMG/AMP sequence variant interpretation guidelines (Richards et al. 2015 PMID: 25741868, with internal and published modifications).